The following is an entry in ClinVar:

ClinVar aggregate classification (germline): Uncertain significance. Review status: criteria provided, multiple submitters, no conflicts (2 of 4 stars). 2 submissions from 2 submitters: Uncertain significance (2). Last evaluated 2024-02-21.

Conditions:
Inborn genetic diseases. Identifiers: MedGen C0950123, MeSH D030342.
Congenital neutropenia-myelofibrosis-nephromegaly syndrome. Also called: Severe congenital neutropenia 5, autosomal recessive. Identifiers: Orphanet 369852, MedGen C3809031, MONDO:0014118, OMIM 615285.

Allele frequency attached by ClinVar (database versions not stated): ExAC 0.00001; gnomAD exomes 0.00001; TOPMed 0.00002.
gnomAD v4.1: 21 of 1,614,012 alleles (0.0013%); highest among the groups gnomAD compares: East Asian, 0.0067%; no homozygotes.

Submissions (2):

Ambry Genetics
Classification: Uncertain significance for Inborn genetic diseases. Last evaluated: 2024-02-21. Review status: criteria provided, single submitter. Criteria: Ambry Variant Classification Scheme 2023. Collection method: clinical testing. Allele origin: germline.

Labcorp Genetics (formerly Invitae), Labcorp
Classification: Uncertain significance for Congenital neutropenia-myelofibrosis-nephromegaly syndrome. Last evaluated: 2021-08-31. Review status: criteria provided, single submitter. Criteria: Invitae Variant Classification Sherloc (09022015). Collection method: clinical testing. Allele origin: germline.
Comment: This sequence change replaces arginine with glutamine at codon 433 of the VPS45 protein (p.Arg433Gln). The arginine residue is moderately conserved and there is a small physicochemical difference between arginine and glutamine. This variant is present in population databases (rs782382781, ExAC 0.002%). This variant has not been reported in the literature in individuals affected with VPS45-related conditions. Algorithms developed to predict the effect of missense changes on protein structure and function (SIFT, PolyPhen-2, Align-GVGD) all suggest that this variant is likely to be tolerated. In summary, the available evidence is currently insufficient to determine the role of this variant in disease. Therefore, it has been classified as a Variant of Uncertain Significance.

NM_007259.5(VPS45):c.1298G>A (p.Arg433Gln)

Gene: VPS45 (vacuolar protein sorting 45 homolog; plus strand). Cytogenetic location: 1q21.2.
Variant type: single nucleotide variant.
Coding change: c.1298G>A on transcript NM_007259.5 (MANE Select); coding-DNA position 1298, G replaced by A.
Protein change: p.Arg433Gln; replaces arginine 433 with glutamine.
Molecular consequence: missense variant. On other transcripts: non-coding transcript variant (1).
Genome position (GRCh38, 1-based): chr1:150,092,336, G>A. VCF-style: chr1-150092336-G-A. GRCh37 (hg19) VCF-style: chr1-150064430-G-A.
Other names: c.983G>A, p.Arg328Gln (NM_001279353.2); c.1190G>A, p.Arg397Gln (NM_001279354.2); c.1298G>A (NM_007259.3); short protein forms R328Q, R433Q, R397Q.
Identifiers: ClinVar variation 2151388 (VCV002151388.2), dbSNP rs782382781, ClinGen allele CA1073367.